The following is an entry in ClinVar:

ClinVar aggregate classification (germline): Uncertain significance. Review status: criteria provided, multiple submitters, no conflicts (2 of 4 stars). 2 submissions from 2 submitters: Uncertain significance (2). Last evaluated 2025-09-04.

Conditions:
Inborn genetic diseases. Identifiers: MedGen C0950123, MeSH D030342.
Mucopolysaccharidosis, MPS-III-C (MPS3C). Also called: SANFILIPPO SYNDROME C; MPS III C; MPS IIIC (Sanfilippo Syndrome Type C); MUCOPOLYSACCHARIDOSIS, TYPE IIIC; Mucopolysaccharidosis type IIIC (Sanfilippo C); mucopolysaccharidosis type 3C. Identifiers: Orphanet 581, Orphanet 79271, MedGen C0086649, MONDO:0009657, OMIM 252930.
Retinitis pigmentosa 73 (RP73). Identifiers: Orphanet 791, MedGen C4225287, MONDO:0014687, OMIM 616544.

Allele frequency attached by ClinVar (database versions not stated): gnomAD 0.00001; TOPMed 0.00001.

Submissions (2):

Ambry Genetics
Classification: Uncertain significance for Inborn genetic diseases. Last evaluated: 2025-09-04. Review status: criteria provided, single submitter. Criteria: Ambry Variant Classification Scheme 2023. Collection method: clinical testing. Allele origin: germline.

Labcorp Genetics (formerly Invitae), Labcorp
Classification: Uncertain significance for Retinitis pigmentosa 73; Mucopolysaccharidosis, MPS-III-C. Last evaluated: 2022-07-05. Review status: criteria provided, single submitter. Criteria: Invitae Variant Classification Sherloc (09022015). Collection method: clinical testing. Allele origin: germline.
Comment: This sequence change replaces leucine, which is neutral and non-polar, with phenylalanine, which is neutral and non-polar, at codon 280 of the HGSNAT protein (p.Leu280Phe). This variant is not present in population databases (gnomAD no frequency). This variant has not been reported in the literature in individuals affected with HGSNAT-related conditions. ClinVar contains an entry for this variant (Variation ID: 1429965). Advanced modeling of protein sequence and biophysical properties (such as structural, functional, and spatial information, amino acid conservation, physicochemical variation, residue mobility, and thermodynamic stability) performed at Invitae indicates that this missense variant is expected to disrupt HGSNAT protein function. In summary, the available evidence is currently insufficient to determine the role of this variant in disease. Therefore, it has been classified as a Variant of Uncertain Significance.

NM_152419.3(HGSNAT):c.838C>T (p.Leu280Phe)

Gene: HGSNAT (heparan-alpha-glucosaminide N-acetyltransferase; plus strand). Cytogenetic location: 8p11.21.
Variant type: single nucleotide variant.
Coding change: c.838C>T on transcript NM_152419.3 (MANE Select); coding-DNA position 838, C replaced by T.
Protein change: p.Leu280Phe; replaces leucine 280 with phenylalanine.
Molecular consequence: missense variant. On other transcripts: intron variant (2).
Genome position (GRCh38, 1-based): chr8:43,173,730, C>T. VCF-style: chr8-43173730-C-T. GRCh37 (hg19) VCF-style: chr8-43028873-C-T.
Other names: c.838C>T (NM_152419.2); c.838C>T, p.Leu280Phe (NM_001363227.2); c.-14+1344C>T (NM_001363229.2); c.820+1344C>T (NM_001363228.2); short protein forms L280F.
Identifiers: ClinVar variation 1429965 (VCV001429965.5), dbSNP rs1245295975, ClinGen allele CA371116511.